The following is an entry in ClinVar:

NM_173483.4(CYP4F22):c.1418+8C>T

Gene: CYP4F22 (cytochrome P450 family 4 subfamily F member 22; plus strand). Cytogenetic location: 19p13.12.
Variant type: single nucleotide variant.
Coding change: c.1418+8C>T on transcript NM_173483.4 (MANE Select); 8 bases into the intron after coding-DNA position 1418, C replaced by T.
Molecular consequence: intron variant.
Genome position (GRCh38, 1-based): chr19:15,550,764, C>T. VCF-style: chr19-15550764-C-T. GRCh37 (hg19) VCF-style: chr19-15661575-C-T.
Identifiers: ClinVar variation 890496 (VCV000890496.6), dbSNP rs372563949, ClinGen allele CA9269948.

ClinVar aggregate classification (germline): Uncertain significance. Review status: criteria provided, single submitter (1 of 4 stars). 2 submissions from 2 submitters: Uncertain significance (1). 1 of the submissions does not count toward it. Last evaluated 2018-01-13.

Conditions:
CYP4F22-related disorder. Also called: CYP4F22-related condition.
Autosomal recessive congenital ichthyosis 5 (ARCI5). Also called: Ichthyosis, nonlamellar and nonerythrodermic, congenital, autosomal recessive; ICHTHYOSIS CONGENITA III. Identifiers: Orphanet 313, MedGen C1858133, MONDO:0011485, OMIM 604777.

Allele frequency attached by ClinVar (database versions not stated): gnomAD exomes 0.00001; ExAC 0.00002; gnomAD 0.00005 and 0.00007; TOPMed 0.00005; ESP Exome Variant Server 0.00015.
gnomAD v4.1: 27 of 1,613,992 alleles (0.0017%); highest among the groups gnomAD compares: Middle Eastern, 0.016%; no homozygotes.

Submissions (2):

Illumina Laboratory Services, Illumina
Classification: Uncertain significance for Autosomal recessive congenital ichthyosis 5. Last evaluated: 2018-01-13. Review status: criteria provided, single submitter. Criteria: ICSL Variant Classification Criteria 13 December 2019. Collection method: clinical testing. Allele origin: germline.

PreventionGenetics, part of Exact Sciences
Classification: Likely benign for CYP4F22-related condition. Last evaluated: 2019-06-20. Review status: no assertion criteria provided. Collection method: clinical testing. Allele origin: germline. Not counted in ClinVar's aggregate classification.
Comment: This variant is classified as likely benign based on ACMG/AMP sequence variant interpretation guidelines (Richards et al. 2015 PMID: 25741868, with internal and published modifications).